The following is an entry in ClinVar:

ClinVar aggregate classification (germline): Benign. Review status: criteria provided, multiple submitters, no conflicts (2 of 4 stars). 12 submissions from 12 submitters: Benign (9). 3 of the submissions do not count toward it. Last evaluated 2026-02-03.

Conditions:
Heterotaxy, visceral, 4, autosomal (HTX4). Identifiers: Orphanet 450, MedGen C3151057, MONDO:0013403, OMIM 613751.

Allele frequency attached by ClinVar (database versions not stated): 1000 Genomes Project 0.35323; TOPMed 0.40024; gnomAD 0.42251 and 0.42603; 1000 Genomes Project 30x 0.34697; ESP Exome Variant Server 0.43857; gnomAD exomes 0.47720 and 0.53743; ExAC 0.48508.
gnomAD v4.1: 848,200 of 1,613,586 alleles (53%); highest among the groups gnomAD compares: Non-Finnish European, 57%; 232,022 homozygotes.

Submissions (12):

Labcorp Genetics (formerly Invitae), Labcorp
Classification: Benign for Heterotaxy, visceral, 4, autosomal. Last evaluated: 2026-02-03. Review status: criteria provided, single submitter. Criteria: Invitae Variant Classification Sherloc (09022015). Collection method: clinical testing. Allele origin: germline.

Blueprint Genetics
Classification: Benign. Last evaluated: 2024-11-26. Review status: criteria provided, single submitter. Criteria: ACMG Guidelines, 2015. Collection method: clinical testing. Allele origin: germline.

Genome-Nilou Lab
Classification: Benign for Heterotaxy, visceral, 4, autosomal. Last evaluated: 2021-07-14. Review status: criteria provided, single submitter. Criteria: ACMG Guidelines, 2015. Collection method: clinical testing. Allele origin: germline. Affected: no.

Illumina Laboratory Services, Illumina
Classification: Benign for Heterotaxy, visceral, 4, autosomal. Last evaluated: 2018-01-12. Review status: criteria provided, single submitter. Criteria: ICSL Variant Classification Criteria 13 December 2019. Collection method: clinical testing. Allele origin: germline.
Comment: This variant was observed in the ICSL laboratory as part of a predisposition screen in an ostensibly healthy population. It had not been previously curated by ICSL or reported in the Human Gene Mutation Database (HGMD: prior to June 1st, 2018), and was therefore a candidate for classification through an automated scoring system. Utilizing variant allele frequency, disease prevalence and penetrance estimates, and inheritance mode, an automated score was calculated to assess if this variant is too frequent to cause the disease. Based on the score and internal cut-off values, a variant classified as benign is not then subjected to further curation. The score for this variant resulted in a classification of benign for this disease.

Laboratory for Molecular Medicine, Mass General Brigham Personalized Medicine
Classification: Benign. Last evaluated: 2016-03-28. Review status: criteria provided, single submitter. Criteria: LMM Criteria. Collection method: clinical testing. Allele origin: germline.
Comment: Variant identified in a genome or exome case(s) and assessed due to predicted null impact of the variant or pathogenic assertions in the literature or databases. Disclaimer: This variant has not undergone full assessment. The following are preliminary notes: Frequency

Clinical Genetics DNA and cytogenetics Diagnostics Lab, Erasmus MC, Erasmus Medical Center
Classification: Benign for Heterotaxy, visceral, 4, autosomal. Last evaluated: 2015-09-21. Review status: criteria provided, single submitter. Criteria: ACGS Guidelines, 2013. Collection method: clinical testing. Allele origin: germline. Affected: yes. Study: VKGL Data-share Consensus.

GeneDx
Classification: Benign. Last evaluated: 2015-03-03. Review status: criteria provided, single submitter. Criteria: GeneDx Variant Classification Process June 2021. Collection method: clinical testing. Allele origin: germline. Affected: yes.

Breakthrough Genomics
Classification: Benign. Review status: criteria provided, single submitter. Criteria: ACMG Guidelines, 2015. Collection method: not provided. Allele origin: germline. Inheritance: Unknown mechanism. Affected: yes.

PreventionGenetics, part of Exact Sciences
Classification: Benign. Review status: criteria provided, single submitter. Criteria: ACMG Guidelines, 2015. Collection method: clinical testing. Allele origin: germline.

Clinical Genetics, Academic Medical Center
Classification: Benign. Review status: no assertion criteria provided. Collection method: clinical testing. Allele origin: germline. Affected: yes. Study: VKGL Data-share Consensus. Not counted in ClinVar's aggregate classification.

Diagnostic Laboratory, Department of Genetics, University Medical Center Groningen
Classification: Benign for Heterotaxy, visceral, 4, autosomal. Review status: no assertion criteria provided. Collection method: clinical testing. Allele origin: germline. Affected: yes. Study: VKGL Data-share Consensus. Not counted in ClinVar's aggregate classification.

Joint Genome Diagnostic Labs from Nijmegen and Maastricht, Radboudumc and MUMC+
Classification: Benign. Review status: no assertion criteria provided. Collection method: clinical testing. Allele origin: germline. Affected: yes. Study: VKGL Data-share Consensus. Not counted in ClinVar's aggregate classification.

NM_001106.4(ACVR2B):c.1458C>T (p.Asn486=)

Gene: ACVR2B (activin A receptor type 2B; plus strand). Cytogenetic location: 3p22.2.
Variant type: single nucleotide variant.
Coding change: c.1458C>T on transcript NM_001106.4 (MANE Select); coding-DNA position 1458, C replaced by T.
Protein change: p.Asn486=; no amino-acid change (asparagine 486 retained).
Molecular consequence: synonymous variant.
Genome position (GRCh38, 1-based): chr3:38,483,251, C>T. VCF-style: chr3-38483251-C-T. GRCh37 (hg19) VCF-style: chr3-38524742-C-T.
Identifiers: ClinVar variation 257467 (VCV000257467.27), dbSNP rs1046048, ClinGen allele CA2319083.